The following is an entry in ClinVar:

ClinVar aggregate classification (germline): Uncertain significance (1 of 4 stars; one submission).

Conditions:
Hereditary cancer-predisposing syndrome. Also called: Hereditary Cancer Syndrome; Hereditary neoplastic syndrome; Neoplastic Syndromes, Hereditary; Tumor predisposition. Identifiers: Orphanet 140162, MedGen C0027672, MeSH D009386, MONDO:0015356.

Allele frequency attached by ClinVar (database versions not stated): gnomAD exomes below 0.00001.
gnomAD v4.1: 1 of 1,614,006 alleles (0.000062%); highest among the groups gnomAD compares: East Asian, 0.0022%; no homozygotes.

Submission:

Ambry Genetics
Classification: Uncertain significance for Hereditary cancer-predisposing syndrome. Last evaluated: 2021-05-12. Review status: criteria provided, single submitter. Criteria: Ambry Variant Classification Scheme 2023. Collection method: clinical testing. Allele origin: germline.
Comment: The p.E317K variant (also known as c.949G>A), located in coding exon 10 of the NF2 gene, results from a G to A substitution at nucleotide position 949. The glutamic acid at codon 317 is replaced by lysine, an amino acid with similar properties. This amino acid position is highly conserved in available vertebrate species. In addition, this alteration is predicted to be deleterious by in silico analysis. Since supporting evidence is limited at this time, the clinical significance of this alteration remains unclear.

NM_000268.4(NF2):c.949G>A (p.Glu317Lys)

Gene: NF2 (NF2, moesin-ezrin-radixin like (MERLIN) tumor suppressor; plus strand). Cytogenetic location: 22q12.2.
Variant type: single nucleotide variant.
Coding change: c.949G>A on transcript NM_000268.4 (MANE Select); coding-DNA position 949, G replaced by A.
Protein change: p.Glu317Lys; replaces glutamic acid 317 with lysine.
Molecular consequence: missense variant. On other transcripts: non-coding transcript variant (1), intron variant (1).
Genome position (GRCh38, 1-based): chr22:29,668,396, G>A. VCF-style: chr22-29668396-G-A. GRCh37 (hg19) VCF-style: chr22-30064385-G-A.
Other names: c.835G>A, p.Glu279Lys (NM_001407053.1, NM_001407056.1); c.826G>A, p.Glu276Lys (NM_001407054.1, NM_001407058.1, NM_181829.3); c.823G>A, p.Glu275Lys (NM_001407055.1, NM_181828.3); c.814G>A, p.Glu272Lys (NM_001407057.1, NM_001407059.1); c.949G>A, p.Glu317Lys (NM_001407060.1, NM_001407066.1, NM_016418.5 and 2 more transcripts); c.691G>A, p.Glu231Lys (NM_001407062.1); c.700G>A, p.Glu234Lys (NM_001407063.1, NM_001407064.1, NM_181830.3 and 1 more transcripts); c.415G>A, p.Glu139Lys (NM_001407065.1); and 2 more; short protein forms E240K, E275K, E279K, E139K, E234K, E272K, E276K, E231K.
Identifiers: ClinVar variation 1767145 (VCV001767145.2), dbSNP rs2066688061, ClinGen allele CA411145884.
Genomic context (GRCh38, chr22:29,668,396, plus strand): 5'-CTCCAGCTATGTATCGGGAACCATGATCTATTTATGAGGAGAAGGAAAGCCGATTCTTTG[G>A]AAGTTCAGCAGATGAAAGCCCAGGCCAGGGAGGAGAAGGCTAGAAAGCAGGTGAGCACAA-3'
Protein context (NP_000259.1, residues 307-327): FMRRRKADSL[Glu317Lys]VQQMKAQARE